The following is an entry in ClinVar:

NM_001379451.1(BCORL1):c.3521A>G (p.Asn1174Ser)

Gene: BCORL1 (BCL6 corepressor like 1; plus strand). Cytogenetic location: Xq26.1.
Variant type: single nucleotide variant.
Coding change: c.3521A>G on transcript NM_001379451.1 (MANE Select); coding-DNA position 3521, A replaced by G.
Protein change: p.Asn1174Ser; replaces asparagine 1174 with serine.
Molecular consequence: missense variant.
Genome position (GRCh38, 1-based): chrX:130,021,064, A>G. VCF-style: chrX-130021064-A-G. GRCh37 (hg19) VCF-style: chrX-129155039-A-G.
Other names: c.3521A>G, p.Asn1174Ser (NM_001184772.3, NM_001379450.1, NM_021946.5); short protein forms N1174S.
Identifiers: ClinVar variation 748569 (VCV000748569.5), dbSNP rs147703991, ClinGen allele CA10514531.

ClinVar aggregate classification (germline): Likely benign. Review status: criteria provided, single submitter (1 of 4 stars). 2 submissions from 2 submitters: Likely benign (1). 1 of the submissions does not count toward it. Last evaluated 2018-03-29.

Conditions:
BCORL1-related disorder. Also called: BCORL1-related condition.

Allele frequency attached by ClinVar (database versions not stated): ESP Exome Variant Server 0.00009; gnomAD exomes 0.00010 and 0.00016; gnomAD 0.00014; TOPMed 0.00014; ExAC 0.00015; 1000 Genomes Project 30x 0.00021; 1000 Genomes Project 0.00026.
gnomAD v4.1: 125 of 1,193,897 alleles (0.01%); highest among the groups gnomAD compares: Middle Eastern, 0.046%; no homozygotes.

Submissions (2):

Labcorp Genetics (formerly Invitae), Labcorp
Classification: Likely benign. Last evaluated: 2018-03-29. Review status: criteria provided, single submitter. Criteria: Invitae Variant Classification Sherloc (09022015). Collection method: clinical testing. Allele origin: germline.

PreventionGenetics, part of Exact Sciences
Classification: Likely benign for BCORL1-related condition. Last evaluated: 2022-05-04. Review status: no assertion criteria provided. Collection method: clinical testing. Allele origin: germline. Not counted in ClinVar's aggregate classification.
Comment: This variant is classified as likely benign based on ACMG/AMP sequence variant interpretation guidelines (Richards et al. 2015 PMID: 25741868, with internal and published modifications).